The following is an entry in ClinVar:

NM_015102.5(NPHP4):c.2687G>A (p.Arg896Gln)

Gene: NPHP4 (nephrocystin 4; minus strand). Cytogenetic location: 1p36.31.
Variant type: single nucleotide variant.
Coding change: c.2687G>A on transcript NM_015102.5 (MANE Select); coding-DNA position 2687, G replaced by A.
Protein change: p.Arg896Gln; replaces arginine 896 with glutamine.
Molecular consequence: missense variant. On other transcripts: non-coding transcript variant (1).
Genome position (GRCh38, 1-based): chr1:5,877,223, C>T on the plus strand (G>A on the coding strand, the complement: NPHP4 is on the minus strand). VCF-style: chr1-5877223-C-T. GRCh37 (hg19) VCF-style: chr1-5937283-C-T.
Other names: c.1148G>A, p.Arg383Gln (NM_001291593.2); c.1151G>A, p.Arg384Gln (NM_001291594.2); short protein forms R896Q, R383Q, R384Q.
Identifiers: ClinVar variation 286862 (VCV000286862.15), dbSNP rs372438267, ClinGen allele CA553966.

ClinVar aggregate classification (germline): Conflicting classifications of pathogenicity. Review status: criteria provided, conflicting classifications (1 of 4 stars). 5 submissions from 5 submitters: Uncertain significance (3); Benign (1). 1 of the submissions does not count toward it. Last evaluated 2025-10-09.

Conditions:
NPHP4-related disorder. Also called: NPHP4-related disorders; NPHP4-related condition. Identifiers: MedGen CN239384.
Nephronophthisis. Also called: Juvenile Nephronophthisis. Identifiers: Orphanet 655, MedGen C0687120, MONDO:0019005, HP:0000090.
Senior-Loken syndrome 4 (SLSN4). Identifiers: Orphanet 3156, MedGen C1846979, MONDO:0011756, OMIM 606996.
Nephronophthisis 4 (NPHP4). Also called: NEPHRONOPHTHISIS 4, JUVENILE. Identifiers: Orphanet 655, MedGen C1847013, MONDO:0011752, OMIM 606966.

Allele frequency attached by ClinVar (database versions not stated): gnomAD 0.00011 and 0.00015; ExAC 0.00018; gnomAD exomes 0.00021; ESP Exome Variant Server 0.00008; TOPMed 0.00010.
gnomAD v4.1: 120 of 1,607,906 alleles (0.0075%); highest among the groups gnomAD compares: Admixed American, 0.096%; no homozygotes.

Submissions (5):

Labcorp Genetics (formerly Invitae), Labcorp
Classification: Uncertain significance for Nephronophthisis. Last evaluated: 2025-10-09. Review status: criteria provided, single submitter. Criteria: Invitae Variant Classification Sherloc (09022015). Collection method: clinical testing. Allele origin: germline.
Comment: This sequence change replaces arginine, which is basic and polar, with glutamine, which is neutral and polar, at codon 896 of the NPHP4 protein (p.Arg896Gln). This variant is present in population databases (rs372438267, gnomAD 0.1%). This variant has not been reported in the literature in individuals affected with NPHP4-related conditions. ClinVar contains an entry for this variant (Variation ID: 286862). Invitae Evidence Modeling of protein sequence and biophysical properties (such as structural, functional, and spatial information, amino acid conservation, physicochemical variation, residue mobility, and thermodynamic stability) indicates that this missense variant is not expected to disrupt NPHP4 protein function with a negative predictive value of 80%. In summary, the available evidence is currently insufficient to determine the role of this variant in disease. Therefore, it has been classified as a Variant of Uncertain Significance.

Blueprint Genetics
Classification: Benign. Last evaluated: 2024-11-11. Review status: criteria provided, single submitter. Criteria: ACMG Guidelines, 2015. Collection method: clinical testing. Allele origin: germline.

Fulgent Genetics
Classification: Uncertain significance for Nephronophthisis 4; Senior-Loken syndrome 4. Last evaluated: 2024-06-07. Review status: criteria provided, single submitter. Criteria: ACMG Guidelines, 2015. Collection method: clinical testing. Allele origin: germline.

Eurofins Ntd Llc (ga)
Classification: Uncertain significance. Last evaluated: 2017-10-10. Review status: criteria provided, single submitter. Criteria: EGL Classification Definitions 2015. Collection method: clinical testing. Allele origin: germline. Observed: 3 variant alleles, 3 heterozygotes.

PreventionGenetics, part of Exact Sciences
Classification: Uncertain significance for NPHP4-related condition. Last evaluated: 2024-07-25. Review status: no assertion criteria provided. Collection method: clinical testing. Allele origin: germline. Not counted in ClinVar's aggregate classification.
Comment: The NPHP4 c.2687G>A variant is predicted to result in the amino acid substitution p.Arg896Gln. To our knowledge, this variant has not been reported in the literature. This variant is reported in 0.12% of alleles in individuals of Latino descent in gnomAD. At this time, the clinical significance of this variant is uncertain due to the absence of conclusive functional and genetic evidence.